The following is an entry in ClinVar:

NM_001099274.3(TINF2):c.1130-12T>G

Gene: TINF2 (TERF1 interacting nuclear factor 2; minus strand). Cytogenetic location: 14q12.
Variant type: single nucleotide variant.
Coding change: c.1130-12T>G on transcript NM_001099274.3 (MANE Select); 12 bases into the intron before coding-DNA position 1130, T replaced by G.
Molecular consequence: intron variant. On other transcripts: 3 prime UTR variant (1).
Genome position (GRCh38, 1-based): chr14:24,240,167, A>C on the plus strand (T>G on the coding strand, the complement: TINF2 is on the minus strand). VCF-style: chr14-24240167-A-C. GRCh37 (hg19) VCF-style: chr14-24709373-A-C.
Other names: c.*248T>G (NM_012461.3); c.1025-12T>G (NM_001363668.2).
Identifiers: ClinVar variation 4749799 (VCV004749799.1).

ClinVar aggregate classification (germline): Uncertain significance (1 of 4 stars; one submission).

Conditions:
Dyskeratosis congenita. Identifiers: Orphanet 1775, MedGen C0265965, MONDO:0015780.

Submission:

Labcorp Genetics (formerly Invitae), Labcorp
Classification: Uncertain significance for Dyskeratosis congenita. Last evaluated: 2025-02-09. Review status: criteria provided, single submitter. Criteria: Invitae Variant Classification Sherloc (09022015). Collection method: clinical testing. Allele origin: germline.
Comment: This sequence change falls in intron 7 of the TINF2 gene. It does not directly change the encoded amino acid sequence of the TINF2 protein. This variant is not present in population databases (gnomAD no frequency). This variant has not been reported in the literature in individuals affected with TINF2-related conditions. Algorithms developed to predict the effect of sequence changes on RNA splicing suggest that this variant may disrupt the consensus splice site. In summary, the available evidence is currently insufficient to determine the role of this variant in disease. Therefore, it has been classified as a Variant of Uncertain Significance.